The following is an entry in ClinVar:

ClinVar aggregate classification (germline): Conflicting classifications of pathogenicity. Review status: criteria provided, conflicting classifications (1 of 4 stars). 13 submissions from 13 submitters: Uncertain significance (2); Benign (2); Likely benign (7). 2 of the submissions do not count toward it. Last evaluated 2026-01-26.

Conditions:
Ehlers-Danlos syndrome, classic type, 1 (EDSCL1). Also called: Ehlers-Danlos syndrome, type 1; Ehlers-Danlos Syndrome, Classic Type, COL5A1-Related; EDS I; EHLERS-DANLOS SYNDROME, GRAVIS TYPE; EHLERS-DANLOS SYNDROME, SEVERE CLASSIC TYPE. Identifiers: MedGen C0268335, MONDO:0019567, OMIM 130000.
Ehlers-Danlos syndrome, classic type, 2 (EDSCL2). Also called: Ehlers-Danlos syndrome, type 2; Ehlers-Danlos syndrome type 2 (formerly); Ehlers-Danlos Syndrome, Classic Type, COL5A2-Related. Identifiers: Orphanet 287, Orphanet 90318, MedGen C0268336, MONDO:0019568, OMIM 130010.
Connective tissue disorder. Also called: Connective tissue disease. Identifiers: MedGen C0009782, MONDO:0003900.
Ehlers-Danlos syndrome (EDS). Identifiers: Orphanet 98249, MedGen C0013720, MONDO:0020066.

Allele frequency attached by ClinVar (database versions not stated): TOPMed 0.00022; gnomAD 0.00023 and 0.00026; gnomAD exomes 0.00025 and 0.00047; ExAC 0.00026; ESP Exome Variant Server 0.00062.
gnomAD v4.1: 727 of 1,597,406 alleles (0.046%); highest among the groups gnomAD compares: Non-Finnish European, 0.059%; 1 homozygote.

Submissions (13):

Labcorp Genetics (formerly Invitae), Labcorp
Classification: Likely benign for Ehlers-Danlos syndrome, classic type, 1. Last evaluated: 2026-01-26. Review status: criteria provided, single submitter. Criteria: Invitae Variant Classification Sherloc (09022015). Collection method: clinical testing. Allele origin: germline.

ARUP Laboratories, Molecular Genetics and Genomics, ARUP Laboratories
Classification: Likely benign for Ehlers-Danlos syndrome, classic type, 2. Last evaluated: 2025-06-27. Review status: criteria provided, single submitter. Criteria: ARUP Molecular Germline Variant Investigation Process 2024. Collection method: clinical testing. Allele origin: germline.

CeGaT Center for Human Genetics Tuebingen
Classification: Likely benign. Last evaluated: 2024-10-01. Review status: criteria provided, single submitter. Criteria: CeGaT Center For Human Genetics Tuebingen Variant Classification Criteria Version 2. Collection method: clinical testing. Allele origin: germline. Affected: yes. Observed: 2 variant alleles.
Comment: COL5A2: BP4

Blueprint Genetics
Classification: Likely benign. Last evaluated: 2024-09-23. Review status: criteria provided, single submitter. Criteria: ACMG Guidelines, 2015. Collection method: clinical testing. Allele origin: germline.

Women's Health and Genetics/Laboratory Corporation of America, LabCorp
Classification: Benign. Last evaluated: 2023-05-10. Review status: criteria provided, single submitter. Criteria: LabCorp Variant Classification Summary - May 2015. Collection method: clinical testing. Allele origin: germline.
Comment: Variant summary: COL5A2 c.322+8T>C alters a non-conserved nucleotide located close to a canonical splice site and therefore could affect mRNA splicing, leading to a significantly altered protein sequence. 4/4 computational tools predict no significant impact on normal splicing. However, these predictions have yet to be confirmed by functional studies. The variant allele was found at a frequency of 0.00025 in 251100 control chromosomes. The observed variant frequency is approximately 40 fold of the estimated maximal expected allele frequency for a pathogenic variant in COL5A2 causing Ehlers-Danlos Syndrome phenotype (6.3e-06), strongly suggesting that the variant is benign. To our knowledge, no occurrence of c.322+8T>C in individuals affected with Ehlers-Danlos Syndrome and no experimental evidence demonstrating its impact on protein function have been reported. Seven clinical diagnostic laboratories have submitted clinical-significance assessments for this variant to ClinVar after 2014 . Multiple laboratories reported the variant with conflicting assessments: Likely Benign (n=4) and VUS (n=3). Based on the evidence outlined above, the variant was classified as benign.

Genome Diagnostics Laboratory, The Hospital for Sick Children
Classification: Uncertain significance for Ehlers-Danlos syndrome. Last evaluated: 2019-12-01. Review status: criteria provided, single submitter. Criteria: ACMG Guidelines, 2015. Collection method: clinical testing. Allele origin: germline.

Center for Human Genetics, Inc
Classification: Likely benign for Connective tissue disorder. Last evaluated: 2018-06-01. Review status: criteria provided, single submitter. Criteria: ACMG Guidelines, 2015. Collection method: clinical testing. Allele origin: germline. Affected: yes.

Illumina Laboratory Services, Illumina
Classification: Likely benign for Ehlers-Danlos syndrome, classic type, 2. Last evaluated: 2018-01-13. Review status: criteria provided, single submitter. Criteria: ICSL Variant Classification Criteria 13 December 2019. Collection method: clinical testing. Allele origin: germline.
Comment: This variant was observed in the ICSL laboratory as part of a predisposition screen in an ostensibly healthy population. It had not been previously curated by ICSL or reported in the Human Gene Mutation Database (HGMD: prior to June 1st, 2018), and was therefore a candidate for classification through an automated scoring system. Utilizing variant allele frequency, disease prevalence and penetrance estimates, and inheritance mode, an automated score was calculated to assess if this variant is too frequent to cause the disease. Based on the score and internal cut-off values, a variant classified as likely benign is not then subjected to further curation. The score for this variant resulted in a classification of likely benign for this disease.

Eurofins Ntd Llc (ga)
Classification: Uncertain significance. Last evaluated: 2015-10-14. Review status: criteria provided, single submitter. Criteria: EGL Classification Definitions 2015. Collection method: clinical testing. Allele origin: germline. Observed: 1 variant allele, 1 heterozygote.

GeneDx
Classification: Benign. Last evaluated: 2014-05-27. Review status: criteria provided, single submitter. Criteria: GeneDx Variant Classification (06012015). Collection method: clinical testing. Allele origin: germline. Affected: yes.
Comment: This variant is considered likely benign or benign based on one or more of the following criteria: it is a conservative change, it occurs at a poorly conserved position in the protein, it is predicted to be benign by multiple in silico algorithms, and/or has population frequency not consistent with disease.

PreventionGenetics, part of Exact Sciences
Classification: Likely benign. Review status: criteria provided, single submitter. Criteria: ACMG Guidelines, 2015. Collection method: clinical testing. Allele origin: germline.

Clinical Genetics DNA and cytogenetics Diagnostics Lab, Erasmus MC, Erasmus Medical Center
Classification: Likely benign. Review status: no assertion criteria provided. Collection method: clinical testing. Allele origin: germline. Affected: yes. Study: VKGL Data-share Consensus. Not counted in ClinVar's aggregate classification.

Genome Diagnostics Laboratory, University Medical Center Utrecht
Classification: Likely benign. Review status: no assertion criteria provided. Collection method: clinical testing. Allele origin: germline. Affected: yes. Study: VKGL Data-share Consensus. Not counted in ClinVar's aggregate classification.

NM_000393.5(COL5A2):c.322+8T>C

Gene: COL5A2 (collagen type V alpha 2 chain; minus strand). Cytogenetic location: 2q32.2.
Variant type: single nucleotide variant.
Coding change: c.322+8T>C on transcript NM_000393.5 (MANE Select); 8 bases into the intron after coding-DNA position 322, T replaced by C.
Molecular consequence: intron variant.
Genome position (GRCh38, 1-based): chr2:189,110,217, A>G on the plus strand (T>C on the coding strand, the complement: COL5A2 is on the minus strand). VCF-style: chr2-189110217-A-G. GRCh37 (hg19) VCF-style: chr2-189974943-A-G.
Other names: c.322+8T>C (NM_000393.4).
Identifiers: ClinVar variation 136965 (VCV000136965.60), dbSNP rs372227642, ClinGen allele CA290413.